The following is an entry in ClinVar:

NM_001039591.3(USP9X):c.6138A>G (p.Gln2046=)

Gene: USP9X (ubiquitin specific peptidase 9 X-linked; plus strand). Cytogenetic location: Xp11.4.
Variant type: single nucleotide variant.
Coding change: c.6138A>G on transcript NM_001039591.3 (MANE Select); coding-DNA position 6138, A replaced by G.
Protein change: p.Gln2046=; no amino-acid change (glutamine 2046 retained).
Molecular consequence: synonymous variant.
Genome position (GRCh38, 1-based): chrX:41,217,272, A>G. VCF-style: chrX-41217272-A-G. GRCh37 (hg19) VCF-style: chrX-41076525-A-G.
Other names: c.6138A>G (NM_001039590.2); c.6138A>G, p.Gln2046= (NM_001039590.3); c.6153A>G, p.Gln2051= (NM_001410748.1, NM_001410749.1).
Identifiers: ClinVar variation 2980878 (VCV002980878.26), dbSNP rs746722911, ClinGen allele CA10389067.
Genomic context (GRCh38, chrX:41,217,272, plus strand): 5'-ATTTATAGGGCAAGATCACCTGTTGCCTGAAGCAGAAGAAATCACTATGATCAGTATTCA[A>G]CTTGCTGCTAGGTTCCTCTTTACTACAGGATTTCACACAAAGAAAGTAGTCCGTGGCTCT-3'
Protein context (NP_001034680.2, residues 2036-2056): EAEEITMISI[Gln2046=]LAARFLFTTG

ClinVar aggregate classification (germline): Likely benign. Review status: criteria provided, multiple submitters, no conflicts (2 of 4 stars). 3 submissions from 3 submitters: Likely benign (2). 1 of the submissions does not count toward it. Last evaluated 2024-06-19.

Conditions:
USP9X-related disorder. Also called: USP9X-related condition.

Allele frequency attached by ClinVar (database versions not stated): gnomAD exomes 0.00001; ExAC 0.00002; gnomAD 0.00003; TOPMed 0.00004.
gnomAD v4.1: 16 of 1,209,144 alleles (0.0013%); highest among the groups gnomAD compares: Non-Finnish European, 0.0017%; no homozygotes.

Submissions (3):

Labcorp Genetics (formerly Invitae), Labcorp
Classification: Likely benign. Last evaluated: 2024-06-19. Review status: criteria provided, single submitter. Criteria: Invitae Variant Classification Sherloc (09022015). Collection method: clinical testing. Allele origin: germline.

CeGaT Center for Human Genetics Tuebingen
Classification: Likely benign. Last evaluated: 2024-01-01. Review status: criteria provided, single submitter. Criteria: CeGaT Center For Human Genetics Tuebingen Variant Classification Criteria Version 2. Collection method: clinical testing. Allele origin: germline. Affected: yes. Observed: 1 variant allele.
Comment: USP9X: BP4, BP7

PreventionGenetics, part of Exact Sciences
Classification: Likely benign for USP9X-related condition. Last evaluated: 2022-12-27. Review status: no assertion criteria provided. Collection method: clinical testing. Allele origin: germline. Not counted in ClinVar's aggregate classification.
Comment: This variant is classified as likely benign based on ACMG/AMP sequence variant interpretation guidelines (Richards et al. 2015 PMID: 25741868, with internal and published modifications).